The following is an entry in ClinVar:

NM_022124.6(CDH23):c.9745_9746del (p.Gln3249fs)

Gene: CDH23 (cadherin related 23; plus strand). Cytogenetic location: 10q22.1.
Variant type: Deletion.
Coding change: c.9745_9746del on transcript NM_022124.6 (MANE Select); coding-DNA positions 9745 to 9746, 2 bases deleted (CA; older notation c.9745_9746delCA).
Protein change: p.Gln3249fs; shifts the reading frame from glutamine 3249.
Molecular consequence: frameshift variant.
Genome position (GRCh38, 1-based): chr10:71,814,958-71,814,959, CA deleted; deleting any 2 consecutive bases within chr10:71,814,957-71,814,959 gives the same sequence; the c. name uses the placement nearest the transcript's 3' end. VCF-style (leftmost placement, unchanged base first): chr10-71814956-TAC-T. GRCh37 (hg19) VCF-style: chr10-73574713-TAC-T.
Other names: c.3025_3026del, p.Gln1009fs (NM_001171933.1); c.2920_2921del, p.Gln974fs (NM_001171934.1); c.436_437del, p.Gln146fs (NM_001171935.1); c.331_332del, p.Gln111fs (NM_001171936.1); short protein forms Q1009fs, Q111fs, Q146fs, Q3249fs, Q974fs.
Identifiers: ClinVar variation 3239281 (VCV003239281.19), dbSNP rs1236117923.
Genomic context (GRCh38, chr10:71,814,956, plus strand): 5'-ACCTGCTCACCCCTTGGGCATGGCCCTGAGCATGTGGGGGTCCCGGCCTCTTGCAGCTGA[TAC>T]AGACTGAGCTGGACGAGGAGCCAGGAGACCACAGCCCAGGGCAGGGTAGCCTGCGCTTCC-3'

ClinVar aggregate classification (germline): Uncertain significance (1 of 4 stars; one submission).

Submission:

CeGaT Center for Human Genetics Tuebingen
Classification: Uncertain significance. Last evaluated: 2024-05-01. Review status: criteria provided, single submitter. Criteria: CeGaT Center For Human Genetics Tuebingen Variant Classification Criteria Version 2. Collection method: clinical testing. Allele origin: germline. Affected: yes. Observed: 1 variant allele.
Comment: CDH23: PM2, PVS1:Moderate